The following is an entry in ClinVar:

NM_033305.3(VPS13A):c.7347_7363delinsTGC (p.Trp2449fs)

Gene: VPS13A (vacuolar protein sorting 13 homolog A; plus strand). Cytogenetic location: 9q21.2.
Variant type: Indel.
Coding change: c.7347_7363delinsTGC on transcript NM_033305.3 (MANE Select); coding-DNA positions 7347 to 7363, GGCTGATCCGGTGGGCT replaced by TGC.
Protein change: p.Trp2449fs; shifts the reading frame from tryptophan 2449.
Molecular consequence: frameshift variant.
Genome position (GRCh38, 1-based): chr9:77,351,374-77,351,390, GGCTGATCCGGTGGGCT replaced by TGC. VCF-style: chr9-77351374-GGCTGATCCGGTGGGCT-TGC. GRCh37 (hg19) VCF-style: chr9-79966290-GGCTGATCCGGTGGGCT-TGC.
Other names: c.7230_7246delinsTGC, p.Trp2410fs (NM_001018037.2); c.7347_7363delinsTGC, p.Trp2449fs (NM_001018038.3, NM_015186.4); short protein forms W2410fs, W2449fs.
Identifiers: ClinVar variation 5011434 (VCV005011434.1).

ClinVar aggregate classification (germline): Pathogenic (1 of 4 stars; one submission).

Conditions:
VPS13A-related neurodegenerative disease. Also called: ACANTHOCYTOSIS WITH NEUROLOGIC DISORDER; LEVINE-CRITCHLEY SYNDROME; Choreoacanthocytosis; Chorea-acanthocytosis; Choreaacanthocytosis; VPS13A Disease. Identifiers: Orphanet 2388, MedGen C0393576, MONDO:0008695, OMIM 200150.

Submission:

Myriad Genetics, Inc.
Classification: Pathogenic for VPS13A-related neurodegenerative disease. Last evaluated: 2023-08-21. Review status: criteria provided, single submitter. Criteria: Myriad Autosomal Dominant, Autosomal Recessive and X-Linked Classification Criteria (2023). Collection method: clinical testing. Allele origin: unknown.
Comment: NM_033305.2(VPS13A):c.7347_7363del17ins3(W2449Cfs*3) is expected to be pathogenic in the context of VPS13A disease. This variant is predicted to lead to an abnormal or absent protein product due to the creation of a premature termination codon in VPS13A, a gene where loss-of-function variants are known to be pathogenic. Please note: this variant was assessed in the context of healthy population screening.